The following is an entry in ClinVar:

ClinVar aggregate classification (germline): Conflicting classifications of pathogenicity. Review status: criteria provided, conflicting classifications (1 of 4 stars). 6 submissions from 5 submitters: Uncertain significance (5); Benign (1). Last evaluated 2025-03-31.

Conditions:
Retinitis pigmentosa (RP). Identifiers: Orphanet 791, MedGen C0035334, MeSH D012174, MONDO:0019200, OMIM 268000. Inheritance: Autosomal dominant, autosomal recessive and X linked inheritance.
Retinal dystrophy. Also called: Inherited retinal dystrophy. Identifiers: Orphanet 71862, MedGen C0854723, MeSH D058499, MONDO:0019118, HP:0000556.
Inborn genetic diseases. Identifiers: MedGen C0950123, MeSH D030342.
Congenital stationary night blindness autosomal dominant 2. Also called: NIGHT BLINDNESS, CONGENITAL STATIONARY, RAMBUSCH TYPE. Identifiers: Orphanet 215, MedGen C1876182, MONDO:0008099, OMIM 163500.

Allele frequency attached by ClinVar (database versions not stated): gnomAD 0.00001 and 0.00002; gnomAD exomes 0.00002; TOPMed 0.00002; ExAC 0.00003.
gnomAD v4.1: 29 of 1,612,172 alleles (0.0018%); highest among the groups gnomAD compares: East Asian, 0.04%; no homozygotes.

Submissions (6):

Labcorp Genetics (formerly Invitae), Labcorp
Classification: Uncertain significance. Last evaluated: 2025-03-31. Review status: criteria provided, single submitter. Criteria: Invitae Variant Classification Sherloc (09022015). Collection method: clinical testing. Allele origin: germline.
Comment: This sequence change replaces asparagine, which is neutral and polar, with aspartic acid, which is acidic and polar, at codon 649 of the PDE6B protein (p.Asn649Asp). This variant is present in population databases (rs768939011, gnomAD 0.02%). This variant has not been reported in the literature in individuals affected with PDE6B-related conditions. ClinVar contains an entry for this variant (Variation ID: 349383). Invitae Evidence Modeling of protein sequence and biophysical properties (such as structural, functional, and spatial information, amino acid conservation, physicochemical variation, residue mobility, and thermodynamic stability) has been performed for this missense variant. However, the output from this modeling did not meet the statistical confidence thresholds required to predict the impact of this variant on PDE6B protein function. In summary, the available evidence is currently insufficient to determine the role of this variant in disease. Therefore, it has been classified as a Variant of Uncertain Significance.

Blueprint Genetics
Classification: Uncertain significance. Last evaluated: 2023-11-17. Review status: criteria provided, single submitter. Criteria: ACMG Guidelines, 2015. Collection method: clinical testing. Allele origin: germline.

Dept Of Ophthalmology, Nagoya University
Classification: Uncertain significance for Retinal dystrophy. Last evaluated: 2023-10-01. Review status: criteria provided, single submitter. Criteria: Submitter's publication. Collection method: research. Allele origin: germline. Affected: yes.

Ambry Genetics
Classification: Uncertain significance for Inborn genetic diseases. Last evaluated: 2022-01-04. Review status: criteria provided, single submitter. Criteria: Ambry Variant Classification Scheme 2023. Collection method: clinical testing. Allele origin: germline.

Illumina Laboratory Services, Illumina
Classification: Benign for Congenital stationary night blindness autosomal dominant 2. Last evaluated: 2018-01-13. Review status: criteria provided, single submitter. Criteria: ICSL Variant Classification Criteria 13 December 2019. Collection method: clinical testing. Allele origin: germline.
Comment: This variant was observed in the ICSL laboratory as part of a predisposition screen in an ostensibly healthy population. It had not been previously curated by ICSL or reported in the Human Gene Mutation Database (HGMD: prior to June 1st, 2018), and was therefore a candidate for classification through an automated scoring system. Utilizing variant allele frequency, disease prevalence and penetrance estimates, and inheritance mode, an automated score was calculated to assess if this variant is too frequent to cause the disease. Based on the score and internal cut-off values, a variant classified as benign is not then subjected to further curation. The score for this variant resulted in a classification of benign for this disease.

Illumina Laboratory Services, Illumina
Classification: Uncertain significance for Retinitis pigmentosa. Last evaluated: 2018-01-13. Review status: criteria provided, single submitter. Criteria: ICSL Variant Classification Criteria 13 December 2019. Collection method: clinical testing. Allele origin: germline.

NM_000283.4(PDE6B):c.1945A>G (p.Asn649Asp)

Gene: PDE6B (phosphodiesterase 6B; plus strand). Cytogenetic location: 4p16.3.
Variant type: single nucleotide variant.
Coding change: c.1945A>G on transcript NM_000283.4 (MANE Select); coding-DNA position 1945, A replaced by G.
Protein change: p.Asn649Asp; replaces asparagine 649 with aspartic acid.
Molecular consequence: missense variant.
Genome position (GRCh38, 1-based): chr4:663,794, A>G. VCF-style: chr4-663794-A-G. GRCh37 (hg19) VCF-style: chr4-657583-A-G.
Other names: c.1945A>G, p.Asn649Asp (NM_001145291.2); c.1108A>G, p.Asn370Asp (NM_001145292.2, NM_001350154.3, NM_001379246.1 and 1 more transcripts); c.790A>G, p.Asn264Asp (NM_001350155.3); short protein forms N649D, N370D, N264D.
Identifiers: ClinVar variation 349383 (VCV000349383.11), dbSNP rs768939011, ClinGen allele CA2794787.